The following is an entry in ClinVar:

NM_145255.4(MRPL10):c.373G>A (p.Val125Ile)

Gene: MRPL10 (mitochondrial ribosomal protein L10; minus strand). Cytogenetic location: 17q21.32.
Variant type: single nucleotide variant.
Coding change: c.373G>A on transcript NM_145255.4 (MANE Select); coding-DNA position 373, G replaced by A.
Protein change: p.Val125Ile; replaces valine 125 with isoleucine.
Molecular consequence: missense variant. On other transcripts: non-coding transcript variant (1).
Genome position (GRCh38, 1-based): chr17:47,827,054, C>T on the plus strand (G>A on the coding strand, the complement: MRPL10 is on the minus strand). VCF-style: chr17-47827054-C-T. GRCh37 (hg19) VCF-style: chr17-45904420-C-T.
Other names: c.403G>A, p.Val135Ile (NM_148887.3); short protein forms V125I, V135I.
Identifiers: ClinVar variation 3059980 (VCV003059980.2), dbSNP rs11538868, ClinGen allele CA8627545.
Genomic context (GRCh38, chr17:47,827,054, plus strand): 5'-GGTGGGGGGAAGATGGGCAACCCATGCCAAGGGGCCTGCTCCCTACCTGGTTGGGGAAGA[C>T]CTTCATCAGGATCTTGTGTTTCCGCAGCTGGTGTCGCATAAGAAGCTTGTCCTCTGCACT-3'
Protein context (NP_660298.2, residues 115-135): QLRKHKILMK[Val125Ile]FPNQVLKPFL

ClinVar aggregate classification (germline): Benign (0 of 4 stars; one submission).

Conditions:
MRPL10-related disorder. Also called: MRPL10-related condition.

Allele frequency attached by ClinVar (database versions not stated): 1000 Genomes Project 30x 0.15803; 1000 Genomes Project 0.15875; TOPMed 0.25136; gnomAD 0.27150; ESP Exome Variant Server 0.28956; ExAC 0.29138.
gnomAD v4.1: 553,150 of 1,611,434 alleles (34%); highest among the groups gnomAD compares: Non-Finnish European, 38%; 102,695 homozygotes.

Submission:

PreventionGenetics, part of Exact Sciences
Classification: Benign for MRPL10-related condition. Last evaluated: 2019-10-17. Review status: no assertion criteria provided. Collection method: clinical testing. Allele origin: germline.
Comment: This variant is classified as benign based on ACMG/AMP sequence variant interpretation guidelines (Richards et al. 2015 PMID: 25741868, with internal and published modifications).